The following is an entry in ClinVar:

NM_012120.3(CD2AP):c.439A>G (p.Ser147Gly)

Gene: CD2AP (CD2 associated protein; plus strand). Cytogenetic location: 6p12.3.
Variant type: single nucleotide variant.
Coding change: c.439A>G on transcript NM_012120.3 (MANE Select); coding-DNA position 439, A replaced by G.
Protein change: p.Ser147Gly; replaces serine 147 with glycine.
Molecular consequence: missense variant.
Genome position (GRCh38, 1-based): chr6:47,554,664, A>G. VCF-style: chr6-47554664-A-G. GRCh37 (hg19) VCF-style: chr6-47522400-A-G.
Other names: short protein forms S147G.
Identifiers: ClinVar variation 2630514 (VCV002630514.1), dbSNP rs777620356, ClinGen allele CA3843999.

ClinVar aggregate classification (germline): Uncertain significance (1 of 4 stars; one submission).

Conditions:
CD2AP-related disorder. Also called: CD2AP-related condition.

Allele frequency attached by ClinVar (database versions not stated): gnomAD exomes below 0.00001; ExAC 0.00002; TOPMed 0.00002.
gnomAD v4.1: 1 of 1,613,766 alleles (0.000062%); highest among the groups gnomAD compares: African/African-American, 0.0013%; no homozygotes.

Submission:

PreventionGenetics, part of Exact Sciences
Classification: Uncertain significance for CD2AP-related condition. Last evaluated: 2023-02-27. Review status: criteria provided, single submitter. Criteria: ACMG Guidelines, 2015. Collection method: clinical testing. Allele origin: germline.
Comment: The CD2AP c.439A>G variant is predicted to result in the amino acid substitution p.Ser147Gly. To our knowledge, this variant has not been reported in the literature. This variant is reported in 0.012% of alleles in individuals of African descent in gnomAD. At this time, the clinical significance of this variant is uncertain due to the absence of conclusive functional and genetic evidence.